The following is an entry in ClinVar:

ClinVar aggregate classification (germline): Conflicting classifications of pathogenicity. Review status: criteria provided, conflicting classifications (1 of 4 stars). 6 submissions from 6 submitters: Uncertain significance (4); Likely benign (1). 1 of the submissions does not count toward it. Last evaluated 2024-06-14.

Conditions:
AHI1-related disorder. Also called: AHI1-related condition.
Inborn genetic diseases. Identifiers: MedGen C0950123, MeSH D030342.
Joubert syndrome 3 (JBTS3). Also called: AHI1-related Ciliopathy. Identifiers: Orphanet 220493, MedGen C1837713, MONDO:0012078, OMIM 608629.
Joubert syndrome. Also called: JOUBERT-BOLTSHAUSER SYNDROME; Familial aplasia of the vermis. Identifiers: Orphanet 475, MedGen C5979921, MONDO:0018772.

Allele frequency attached by ClinVar (database versions not stated): ESP Exome Variant Server 0.00009; gnomAD exomes 0.00010 and 0.00015; TOPMed 0.00010; gnomAD 0.00012 and 0.00013; ExAC 0.00013.
gnomAD v4.1: 224 of 1,603,466 alleles (0.014%); highest among the groups gnomAD compares: Non-Finnish European, 0.018%; no homozygotes.

Submissions (6):

Blueprint Genetics
Classification: Likely benign. Last evaluated: 2024-06-14. Review status: criteria provided, single submitter. Criteria: ACMG Guidelines, 2015. Collection method: clinical testing. Allele origin: germline.

Ambry Genetics
Classification: Uncertain significance for Inborn genetic diseases. Last evaluated: 2022-11-14. Review status: criteria provided, single submitter. Criteria: Ambry Variant Classification Scheme 2023. Collection method: clinical testing. Allele origin: germline.
Comment: The c.2962-3T>C intronic alteration consists of a T to C substitution 3 nucleotides before coding exon 19 in the AHI1 gene. Based on insufficient or conflicting evidence, the clinical significance of this alteration remains unclear.

Labcorp Genetics (formerly Invitae), Labcorp
Classification: Uncertain significance for Joubert syndrome. Last evaluated: 2022-09-01. Review status: criteria provided, single submitter. Criteria: Invitae Variant Classification Sherloc (09022015). Collection method: clinical testing. Allele origin: germline.
Comment: This sequence change falls in intron 20 of the AHI1 gene. It does not directly change the encoded amino acid sequence of the AHI1 protein. It affects a nucleotide within the consensus splice site. This variant is present in population databases (rs369713977, gnomAD 0.02%). This variant has not been reported in the literature in individuals affected with AHI1-related conditions. ClinVar contains an entry for this variant (Variation ID: 355497). Variants that disrupt the consensus splice site are a relatively common cause of aberrant splicing (PMID: 17576681, 9536098). Algorithms developed to predict the effect of sequence changes on RNA splicing suggest that this variant may create or strengthen a splice site. In summary, the available evidence is currently insufficient to determine the role of this variant in disease. Therefore, it has been classified as a Variant of Uncertain Significance.

Revvity Omics, Revvity
Classification: Uncertain significance for Joubert syndrome 3. Last evaluated: 2022-04-15. Review status: criteria provided, single submitter. Criteria: ACMG Guidelines, 2015. Collection method: clinical testing. Allele origin: germline.

Illumina Laboratory Services, Illumina
Classification: Uncertain significance for Joubert syndrome 3. Last evaluated: 2018-01-13. Review status: criteria provided, single submitter. Criteria: ICSL Variant Classification Criteria 13 December 2019. Collection method: clinical testing. Allele origin: germline.

PreventionGenetics, part of Exact Sciences
Classification: Likely benign for AHI1-related condition. Last evaluated: 2024-05-15. Review status: no assertion criteria provided. Collection method: clinical testing. Allele origin: germline. Not counted in ClinVar's aggregate classification.
Comment: This variant is classified as likely benign based on ACMG/AMP sequence variant interpretation guidelines (Richards et al. 2015 PMID: 25741868, with internal and published modifications).

Literature cited by the submitters: PubMed 17576681 (cited by Labcorp Genetics (formerly Invitae), Labcorp); PubMed 9536098 (cited by Labcorp Genetics (formerly Invitae), Labcorp).

NM_001134831.2(AHI1):c.2962-3T>C

Gene: AHI1 (Abelson helper integration site 1; minus strand). Cytogenetic location: 6q23.3.
Variant type: single nucleotide variant.
Coding change: c.2962-3T>C on transcript NM_001134831.2 (MANE Select); 3 bases into the intron before coding-DNA position 2962, T replaced by C.
Molecular consequence: intron variant.
Genome position (GRCh38, 1-based): chr6:135,404,980, A>G on the plus strand (T>C on the coding strand, the complement: AHI1 is on the minus strand). VCF-style: chr6-135404980-A-G. GRCh37 (hg19) VCF-style: chr6-135726118-A-G.
Other names: c.2962-3T>C (NM_001134830.2, NM_001350503.2, NM_017651.5 and 2 more transcripts).
Identifiers: ClinVar variation 355497 (VCV000355497.14), dbSNP rs369713977, ClinGen allele CA4012205.